The following is an entry in ClinVar:

ClinVar aggregate classification (germline): Uncertain significance. Review status: criteria provided, multiple submitters, no conflicts (2 of 4 stars). 2 submissions from 2 submitters: Uncertain significance (2). Last evaluated 2022-03-10.

Conditions:
Holocarboxylase synthetase deficiency. Also called: MULTIPLE CARBOXYLASE DEFICIENCY, EARLY ONSET. Identifiers: Orphanet 79242, MedGen C0268581, MONDO:0009666, OMIM 253270.

Allele frequency attached by ClinVar (database versions not stated): TOPMed 0.00002; gnomAD 0.00003; gnomAD exomes 0.00006 and 0.00013; ExAC 0.00012; 1000 Genomes Project 30x 0.00016; 1000 Genomes Project 0.00020.
gnomAD v4.1: 94 of 1,613,902 alleles (0.0058%); highest among the groups gnomAD compares: South Asian, 0.093%; 1 homozygote.

Submissions (2):

Labcorp Genetics (formerly Invitae), Labcorp
Classification: Uncertain significance for Holocarboxylase synthetase deficiency. Last evaluated: 2022-03-10. Review status: criteria provided, single submitter. Criteria: Invitae Variant Classification Sherloc (09022015). Collection method: clinical testing. Allele origin: germline.
Comment: This sequence change replaces proline, which is neutral and non-polar, with serine, which is neutral and polar, at codon 656 of the HLCS protein (p.Pro656Ser). This variant is present in population databases (rs538159086, gnomAD 0.09%). This variant has not been reported in the literature in individuals affected with HLCS-related conditions. Algorithms developed to predict the effect of missense changes on protein structure and function are either unavailable or do not agree on the potential impact of this missense change (SIFT: "Tolerated"; PolyPhen-2: "Probably Damaging"; Align-GVGD: "Class C0"). In summary, the available evidence is currently insufficient to determine the role of this variant in disease. Therefore, it has been classified as a Variant of Uncertain Significance.

Fulgent Genetics
Classification: Uncertain significance for Holocarboxylase synthetase deficiency. Last evaluated: 2021-12-07. Review status: criteria provided, single submitter. Criteria: ACMG Guidelines, 2015. Collection method: clinical testing. Allele origin: unknown.

NM_001352514.2(HLCS):c.2407C>T (p.Pro803Ser)

Gene: HLCS (holocarboxylase synthetase; minus strand). Cytogenetic location: 21q22.13.
Variant type: single nucleotide variant.
Coding change: c.2407C>T on transcript NM_001352514.2 (MANE Select); coding-DNA position 2407, C replaced by T.
Protein change: p.Pro803Ser; replaces proline 803 with serine.
Molecular consequence: missense variant. On other transcripts: non-coding transcript variant (2).
Genome position (GRCh38, 1-based): chr21:36,756,585, G>A on the plus strand (C>T on the coding strand, the complement: HLCS is on the minus strand). VCF-style: chr21-36756585-G-A. GRCh37 (hg19) VCF-style: chr21-38128886-G-A.
Other names: c.1966C>T, p.Pro656Ser (NM_000411.8, NM_001242784.3, NM_001242785.2 and 4 more transcripts); short protein forms P803S, P656S.
Identifiers: ClinVar variation 1376621 (VCV001376621.6), dbSNP rs538159086, ClinGen allele CA10020276.